The following is an entry in ClinVar:

NM_022124.6(CDH23):c.4565A>T (p.Asp1522Val)

Gene: CDH23 (cadherin related 23; plus strand). Cytogenetic location: 10q22.1.
Variant type: single nucleotide variant.
Coding change: c.4565A>T on transcript NM_022124.6 (MANE Select); coding-DNA position 4565, A replaced by T.
Protein change: p.Asp1522Val; replaces aspartic acid 1522 with valine.
Molecular consequence: missense variant.
Genome position (GRCh38, 1-based): chr10:71,740,898, A>T. VCF-style: chr10-71740898-A-T. GRCh37 (hg19) VCF-style: chr10-73500655-A-T.
Other names: short protein forms D1522V.
Identifiers: ClinVar variation 2727620 (VCV002727620.3), dbSNP rs2494217920, ClinGen allele CA377160599.
Genomic context (GRCh38, chr10:71,740,898, plus strand): 5'-GAGGCACCCCTCCACGGAAGAAGGACCACATCCTGCAGGTGACCATCCTGGACATCAATG[A>T]CAACCCTCCAGTCATCGAGAGCCCCTTTGGATACAATGTCAGTGTGAATGAGGTGAGGGC-3'
Protein context (NP_071407.4, residues 1512-1532): ILQVTILDIN[Asp1522Val]NPPVIESPFG

ClinVar aggregate classification (germline): Likely pathogenic (1 of 4 stars; one submission).

Submission:

Labcorp Genetics (formerly Invitae), Labcorp
Classification: Likely pathogenic. Last evaluated: 2023-06-28. Review status: criteria provided, single submitter. Criteria: Invitae Variant Classification Sherloc (09022015). Collection method: clinical testing. Allele origin: germline.
Comment: Advanced modeling of protein sequence and biophysical properties (such as structural, functional, and spatial information, amino acid conservation, physicochemical variation, residue mobility, and thermodynamic stability) has been performed at Invitae for this missense variant, however the output from this modeling did not meet the statistical confidence thresholds required to predict the impact of this variant on CDH23 protein function. This missense change has been observed in individual(s) with Usher syndrome (external communication). In at least one individual the data is consistent with being in trans (on the opposite chromosome) from a pathogenic variant. It has also been observed to segregate with disease in related individuals. This variant is not present in population databases (gnomAD no frequency). This sequence change replaces aspartic acid, which is acidic and polar, with valine, which is neutral and non-polar, at codon 1522 of the CDH23 protein (p.Asp1522Val). In summary, the currently available evidence indicates that the variant is pathogenic, but additional data are needed to prove that conclusively. Therefore, this variant has been classified as Likely Pathogenic.